The following is an entry in ClinVar:

ClinVar aggregate classification (germline): Uncertain significance. Review status: criteria provided, multiple submitters, no conflicts (2 of 4 stars). 3 submissions from 3 submitters: Uncertain significance (3). Last evaluated 2023-02-27.

Conditions:
Wilson disease (WND). Also called: Wilson's disease. Identifiers: Orphanet 905, MedGen C0019202, MONDO:0010200, OMIM 277900. Disease mechanism: loss of function.

Submissions (3):

ARUP Laboratories, Molecular Genetics and Genomics, ARUP Laboratories
Classification: Uncertain significance for Wilson disease. Last evaluated: 2023-02-27. Review status: criteria provided, single submitter. Criteria: ARUP Molecular Germline Variant Investigation Process 2024. Collection method: clinical testing. Allele origin: germline.
Comment: The ATP7B c.3017G>A; p.Gly1006Asp variant (rs1184103234), to our knowledge, is not reported in the medical literature in individuals with Wilson disease but is reported in ClinVar (Variation ID: 1163547). This variant is absent from the Genome Aggregation Database, indicating it is not a common polymorphism. Computational analyses predict that this variant is deleterious (REVEL: 0.921). Due to limited information, the clinical significance of this variant is uncertain at this time.

Labcorp Genetics (formerly Invitae), Labcorp
Classification: Uncertain significance for Wilson disease. Last evaluated: 2021-07-31. Review status: criteria provided, single submitter. Criteria: Invitae Variant Classification Sherloc (09022015). Collection method: clinical testing. Allele origin: germline.
Comment: In summary, the available evidence is currently insufficient to determine the role of this variant in disease. Therefore, it has been classified as a Variant of Uncertain Significance. Advanced modeling of protein sequence and biophysical properties (such as structural, functional, and spatial information, amino acid conservation, physicochemical variation, residue mobility, and thermodynamic stability) performed at Invitae indicates that this missense variant is expected to disrupt ATP7B protein function. ClinVar contains an entry for this variant (Variation ID: 1163547). This variant has not been reported in the literature in individuals affected with ATP7B-related conditions. This variant is not present in population databases (ExAC no frequency). This sequence change replaces glycine with aspartic acid at codon 1006 of the ATP7B protein (p.Gly1006Asp). The glycine residue is highly conserved and there is a moderate physicochemical difference between glycine and aspartic acid.

Mayo Clinic Laboratories, Mayo Clinic
Classification: Uncertain significance. Last evaluated: 2019-06-18. Review status: criteria provided, single submitter. Criteria: ACMG Guidelines, 2015. Collection method: clinical testing. Allele origin: germline. Observed: 1 variant allele.

NM_000053.4(ATP7B):c.3017G>A (p.Gly1006Asp)

Gene: ATP7B (ATPase copper transporting beta; minus strand). Cytogenetic location: 13q14.3.
Variant type: single nucleotide variant.
Coding change: c.3017G>A on transcript NM_000053.4 (MANE Select); coding-DNA position 3017, G replaced by A.
Protein change: p.Gly1006Asp; replaces glycine 1006 with aspartic acid.
Molecular consequence: missense variant.
Genome position (GRCh38, 1-based): chr13:51,946,327, C>T on the plus strand (G>A on the coding strand, the complement: ATP7B is on the minus strand). VCF-style: chr13-51946327-C-T. GRCh37 (hg19) VCF-style: chr13-52520463-C-T.
Other names: c.2396G>A, p.Gly799Asp (NM_001005918.3); c.2684G>A, p.Gly895Asp (NM_001243182.2); c.2783G>A, p.Gly928Asp (NM_001330578.2); c.2765G>A, p.Gly922Asp (NM_001330579.2); short protein forms G1006D, G799D, G895D, G922D, G928D.
Identifiers: ClinVar variation 1163547 (VCV001163547.11), dbSNP rs1184103234, ClinGen allele CA388031972.